The following is an entry in ClinVar:

ClinVar aggregate classification (germline): Uncertain significance (1 of 4 stars; one submission).

Conditions:
Hereditary cancer-predisposing syndrome. Also called: Hereditary Cancer Syndrome; Hereditary neoplastic syndrome; Neoplastic Syndromes, Hereditary; Tumor predisposition. Identifiers: Orphanet 140162, MedGen C0027672, MeSH D009386, MONDO:0015356.

Submission:

Ambry Genetics
Classification: Uncertain significance for Hereditary cancer-predisposing syndrome. Last evaluated: 2022-08-13. Review status: criteria provided, single submitter. Criteria: Ambry Variant Classification Scheme 2023. Collection method: clinical testing. Allele origin: germline.
Comment: The p.S313P variant (also known as c.937T>C), located in coding exon 4 of the BARD1 gene, results from a T to C substitution at nucleotide position 937. The serine at codon 313 is replaced by proline, an amino acid with similar properties. This amino acid position is poorly conserved in available vertebrate species. In addition, this alteration is predicted to be tolerated by in silico analysis. Since supporting evidence is limited at this time, the clinical significance of this alteration remains unclear.

NM_000465.4(BARD1):c.937T>C (p.Ser313Pro)

Gene: BARD1 (BRCA1 associated RING domain 1; minus strand). Cytogenetic location: 2q35.
Variant type: single nucleotide variant.
Coding change: c.937T>C on transcript NM_000465.4 (MANE Select); coding-DNA position 937, T replaced by C.
Protein change: p.Ser313Pro; replaces serine 313 with proline.
Molecular consequence: missense variant. On other transcripts: non-coding transcript variant (2), intron variant (3).
Genome position (GRCh38, 1-based): chr2:214,780,937, A>G on the plus strand (T>C on the coding strand, the complement: BARD1 is on the minus strand). VCF-style: chr2-214780937-A-G. GRCh37 (hg19) VCF-style: chr2-215645661-A-G.
Other names: c.880T>C, p.Ser294Pro (NM_001282543.2); c.159-28382T>C (NM_001282548.2); c.215+16124T>C (NM_001282545.2); c.364+11360T>C (NM_001282549.2); short protein forms S294P, S313P.
Identifiers: ClinVar variation 1766748 (VCV001766748.2), dbSNP rs2469506415, ClinGen allele CA350454927.